The following is an entry in ClinVar:

NM_001388492.1(HTT):c.2102T>G (p.Leu701Arg)

Gene: HTT (huntingtin; plus strand). Cytogenetic location: 4p16.3.
Variant type: single nucleotide variant.
Coding change: c.2102T>G on transcript NM_001388492.1 (MANE Select); coding-DNA position 2102, T replaced by G.
Protein change: p.Leu701Arg; replaces leucine 701 with arginine.
Molecular consequence: missense variant.
Genome position (GRCh38, 1-based): chr4:3,131,641, T>G. VCF-style: chr4-3131641-T-G. GRCh37 (hg19) VCF-style: chr4-3133368-T-G.
Other names: c.2108T>G, p.Leu703Arg (NM_002111.8); short protein forms L701R, L703R.
Identifiers: ClinVar variation 1393738 (VCV001393738.4), dbSNP rs200178417, ClinGen allele CA2823748.

ClinVar aggregate classification (germline): Uncertain significance. Review status: criteria provided, multiple submitters, no conflicts (2 of 4 stars). 2 submissions from 2 submitters: Uncertain significance (2). Last evaluated 2021-08-09.

Allele frequency attached by ClinVar (database versions not stated): ESP Exome Variant Server 0.00008; TOPMed 0.00014; gnomAD 0.00022 and 0.00024; gnomAD exomes 0.00028 and 0.00035; ExAC 0.00029.
gnomAD v4.1: 532 of 1,612,376 alleles (0.033%); highest among the groups gnomAD compares: Non-Finnish European, 0.037%; no homozygotes.

Submissions (2):

Labcorp Genetics (formerly Invitae), Labcorp
Classification: Uncertain significance. Last evaluated: 2021-08-09. Review status: criteria provided, single submitter. Criteria: Invitae Variant Classification Sherloc (09022015). Collection method: clinical testing. Allele origin: germline.
Comment: This sequence change replaces leucine with arginine at codon 703 of the HTT protein (p.Leu703Arg). The leucine residue is highly conserved and there is a moderate physicochemical difference between leucine and arginine. This variant is present in population databases (rs200178417, ExAC 0.1%). This variant has not been reported in the literature in individuals with HTT-related conditions. Experimental studies and prediction algorithms are not available or were not evaluated, and the functional significance of this variant is currently unknown. In summary, the available evidence is currently insufficient to determine the role of this variant in disease. Therefore, it has been classified as a Variant of Uncertain Significance.

Breakthrough Genomics
Classification: Uncertain significance. Review status: criteria provided, single submitter. Criteria: ACMG Guidelines, 2015. Collection method: not provided. Allele origin: germline. Inheritance: Autosomal recessive inheritance. Affected: yes.